The following is an entry in ClinVar:

NM_015338.6(ASXL1):c.725T>C (p.Met242Thr)

Gene: ASXL1 (ASXL transcriptional regulator 1; plus strand). Cytogenetic location: 20q11.21.
Variant type: single nucleotide variant.
Coding change: c.725T>C on transcript NM_015338.6 (MANE Select); coding-DNA position 725, T replaced by C.
Protein change: p.Met242Thr; replaces methionine 242 with threonine.
Molecular consequence: missense variant.
Genome position (GRCh38, 1-based): chr20:32,431,327, T>C. VCF-style: chr20-32431327-T-C. GRCh37 (hg19) VCF-style: chr20-31019130-T-C.
Other names: c.542T>C, p.Met181Thr (NM_001363734.1); short protein forms M181T, M242T.
Identifiers: ClinVar variation 3792971 (VCV003792971.1).
Genomic context (GRCh38, chr20:32,431,327, plus strand): 5'-ATTTGTTTTTTCTTTTAAAAAGCTGAAATCTATACCTTGCTTCAAAAATCATAGGTCAAA[T>C]GAAGCGCAACAGAGGGGAAGAAATAGATTTTGAGACACCTGGGTCCATTCTTGTCAACAC-3'
Protein context (NP_056153.2, residues 232-252): RGFRKPATGQ[Met242Thr]KRNRGEEIDF

ClinVar aggregate classification (germline): Uncertain significance (1 of 4 stars; one submission).

Conditions:
Inborn genetic diseases. Identifiers: MedGen C0950123, MeSH D030342.

Submission:

Ambry Genetics
Classification: Uncertain significance for Inborn genetic diseases. Last evaluated: 2025-01-31. Review status: criteria provided, single submitter. Criteria: Ambry Variant Classification Scheme 2023. Collection method: clinical testing. Allele origin: germline.
Comment: The p.M242T variant (also known as c.725T>C), located in coding exon 9 of the ASXL1 gene, results from a T to C substitution at nucleotide position 725. The methionine at codon 242 is replaced by threonine, an amino acid with similar properties. This amino acid position is conserved. In addition, the in silico prediction for this alteration is inconclusive. Based on the available evidence, the clinical significance of this variant remains unclear.